The following is an entry in ClinVar:

ClinVar aggregate classification (germline): Uncertain significance (1 of 4 stars; one submission).

Conditions:
Hereditary cancer-predisposing syndrome. Also called: Neoplastic Syndromes, Hereditary; Tumor predisposition; Hereditary Cancer Syndrome; Hereditary neoplastic syndrome. Identifiers: Orphanet 140162, MedGen C0027672, MeSH D009386, MONDO:0015356.

Submission:

Ambry Genetics
Classification: Uncertain significance for Hereditary cancer-predisposing syndrome. Last evaluated: 2020-09-08. Review status: criteria provided, single submitter. Criteria: Ambry Variant Classification Scheme 2023. Collection method: clinical testing. Allele origin: germline.
Comment: The c.1883-4C>T intronic variant results from a C to T substitution 4 nucleotides upstream from coding exon 7 in the BLM gene. This nucleotide position is poorly conserved in available vertebrate species. In silico splice site analysis for this alteration is inconclusive. Since supporting evidence is limited at this time, the clinical significance of this alteration remains unclear.

NM_000057.4(BLM):c.1883-4C>T

Gene: BLM (BLM RecQ like helicase; plus strand). Cytogenetic location: 15q26.1.
Variant type: single nucleotide variant.
Coding change: c.1883-4C>T on transcript NM_000057.4 (MANE Select); 4 bases into the intron before coding-DNA position 1883, C replaced by T.
Molecular consequence: intron variant.
Genome position (GRCh38, 1-based): chr15:90,762,962, C>T. VCF-style: chr15-90762962-C-T. GRCh37 (hg19) VCF-style: chr15-91306192-C-T.
Other names: c.1883-4C>T (NM_001287246.2, NM_001287247.2); c.758-4C>T (NM_001287248.2).
Identifiers: ClinVar variation 1781922 (VCV001781922.2), dbSNP rs2505434392, ClinGen allele CA2580090408.